The following is an entry in ClinVar:

NM_001365902.3(NFIX):c.1378G>A (p.Ala460Thr)

Gene: NFIX (nuclear factor I X; plus strand). Cytogenetic location: 19p13.13.
Variant type: single nucleotide variant.
Coding change: c.1378G>A on transcript NM_001365902.3 (MANE Select); coding-DNA position 1378, G replaced by A.
Protein change: p.Ala460Thr; replaces alanine 460 with threonine.
Molecular consequence: missense variant. On other transcripts: intron variant (5).
Genome position (GRCh38, 1-based): chr19:13,088,112, G>A. VCF-style: chr19-13088112-G-A. GRCh37 (hg19) VCF-style: chr19-13198926-G-A.
Other names: c.1402G>A, p.Ala468Thr (NM_001271043.2); c.1375G>A, p.Ala459Thr (NM_001365984.2); c.1354G>A, p.Ala452Thr (NM_001378404.1); c.1426G>A, p.Ala476Thr (NM_001378405.1); c.1255-2187G>A (NM_002501.4); c.1132-2187G>A (NM_001365982.2); c.1231-2187G>A (NM_001271044.3); c.1114-2187G>A (NM_001365983.2); and 1 more; short protein forms A452T, A459T, A460T, A468T, A476T.
Identifiers: ClinVar variation 3763434 (VCV003763434.2).
Genomic context (GRCh38, chr19:13,088,112, plus strand): 5'-GCCAGACCTGTGCCCCTTCCTATGCCTGATTCCAAATCCACCAGCACTGCCCCAGACGGC[G>A]CCGCCTTGACTCCTCCATCACCTTGTAAGTGGACGATGAAACCGAAACCACAACGCCCAG-3'
Protein context (NP_001352831.1, residues 450-470): SKSTSTAPDG[Ala460Thr]ALTPPSPSFA

ClinVar aggregate classification (germline): Uncertain significance (1 of 4 stars; one submission).

Conditions:
Malan overgrowth syndrome (MALNS). Also called: NFIX-Related Malan Syndrome; Sotos syndrome 2; MALAN SYNDROME. Identifiers: Orphanet 420179, MedGen C3553660, MONDO:0013885, OMIM 614753.
Marshall-Smith syndrome (MRSHSS). Identifiers: Orphanet 561, MedGen C0265211, MONDO:0011244, OMIM 602535.

gnomAD v4.1: 11 of 1,536,408 alleles (0.00072%); highest among the groups gnomAD compares: South Asian, 0.0024%; no homozygotes.

Submission:

Labcorp Genetics (formerly Invitae), Labcorp
Classification: Uncertain significance for Malan overgrowth syndrome; Marshall-Smith syndrome. Last evaluated: 2024-12-16. Review status: criteria provided, single submitter. Criteria: Invitae Variant Classification Sherloc (09022015). Collection method: clinical testing. Allele origin: germline.
Comment: This sequence change replaces alanine, which is neutral and non-polar, with threonine, which is neutral and polar, at codon 468 of the NFIX protein (p.Ala468Thr). This variant is present in population databases (no rsID available, gnomAD 0.009%). This variant has not been reported in the literature in individuals affected with NFIX-related conditions. Experimental studies and prediction algorithms are not available or were not evaluated, and the functional significance of this variant is currently unknown. In summary, the available evidence is currently insufficient to determine the role of this variant in disease. Therefore, it has been classified as a Variant of Uncertain Significance.